The following is an entry in ClinVar:

ClinVar aggregate classification (germline): Conflicting classifications of pathogenicity. Review status: criteria provided, conflicting classifications (1 of 4 stars). 2 submissions from 2 submitters: Likely pathogenic (1); Uncertain significance (1). Last evaluated 2026-03-28.

Conditions:
Autosomal dominant nocturnal frontal lobe epilepsy 5. Also called: Epilepsy, nocturnal frontal lobe, 5; CILIARY DYSKINESIA, PRIMARY, 28, WITHOUT SITUS INVERSUS; CILIARY DYSKINESIA, PRIMARY, 28, WITH SITUS INVERSUS; KCNT1-Related Epilepsy. Identifiers: Orphanet 98784, MedGen C3554306, MONDO:0014002, OMIM 615005.
Developmental and epileptic encephalopathy, 14 (DEE14). Also called: Early infantile epileptic encephalopathy 14. Identifiers: Orphanet 293181, MedGen C3554195, MONDO:0013989, OMIM 614959.

Submissions (2):

GeneDx
Classification: Uncertain significance. Last evaluated: 2026-03-28. Review status: criteria provided, single submitter. Criteria: GeneDx Variant Classification Process June 2021. Collection method: clinical testing. Allele origin: germline.
Comment: Not observed at significant frequency in large population cohorts (gnomAD); In silico analysis supports that this missense variant has a deleterious effect on protein structure/function; Has not been previously published as pathogenic or benign to our knowledge

Labcorp Genetics (formerly Invitae), Labcorp
Classification: Likely pathogenic for Autosomal dominant nocturnal frontal lobe epilepsy 5; Developmental and epileptic encephalopathy, 14. Last evaluated: 2022-03-19. Review status: criteria provided, single submitter. Criteria: Invitae Variant Classification Sherloc (09022015). Collection method: clinical testing. Allele origin: germline.
Comment: This variant has not been reported in the literature in individuals affected with KCNT1-related conditions. This variant is not present in population databases (gnomAD no frequency). This sequence change replaces glutamine, which is neutral and polar, with lysine, which is basic and polar, at codon 270 of the KCNT1 protein (p.Gln270Lys). Advanced modeling of protein sequence and biophysical properties (such as structural, functional, and spatial information, amino acid conservation, physicochemical variation, residue mobility, and thermodynamic stability) performed at Invitae indicates that this missense variant is expected to disrupt KCNT1 protein function. This variant disrupts the p.Gln270 amino acid residue in KCNT1. Other variant(s) that disrupt this residue have been determined to be pathogenic (PMID: 26140313, 29037447, 33650128). This suggests that this residue is clinically significant, and that variants that disrupt this residue are likely to be disease-causing. In summary, the currently available evidence indicates that the variant is pathogenic, but additional data are needed to prove that conclusively. Therefore, this variant has been classified as Likely Pathogenic.

Literature cited by the submitters: PubMed 26140313 (cited by Labcorp Genetics (formerly Invitae), Labcorp); PubMed 29037447 (cited by Labcorp Genetics (formerly Invitae), Labcorp); PubMed 33650128 (cited by Labcorp Genetics (formerly Invitae), Labcorp).

NM_020822.3(KCNT1):c.808C>A (p.Gln270Lys)

Gene: KCNT1 (potassium sodium-activated channel subfamily T member 1; plus strand). Cytogenetic location: 9q34.3.
Variant type: single nucleotide variant.
Coding change: c.808C>A on transcript NM_020822.3 (MANE Select); coding-DNA position 808, C replaced by A.
Protein change: p.Gln270Lys; replaces glutamine 270 with lysine.
Molecular consequence: missense variant.
Genome position (GRCh38, 1-based): chr9:135,758,462, C>A. VCF-style: chr9-135758462-C-A. GRCh37 (hg19) VCF-style: chr9-138650308-C-A.
Other names: c.664C>A, p.Gln222Lys (NM_001272003.2); c.808C>A (NM_020822.2); short protein forms Q270K, Q222K.
Identifiers: ClinVar variation 2114585 (VCV002114585.5), dbSNP rs1554771476, ClinGen allele CA375498217.